The following is an entry in ClinVar:

ClinVar aggregate classification (germline): Uncertain significance (1 of 4 stars; one submission).

Conditions:
Hereditary cancer-predisposing syndrome. Also called: Neoplastic Syndromes, Hereditary; Tumor predisposition; Hereditary neoplastic syndrome; Hereditary Cancer Syndrome. Identifiers: Orphanet 140162, MedGen C0027672, MeSH D009386, MONDO:0015356.

Submission:

Ambry Genetics
Classification: Uncertain significance for Hereditary cancer-predisposing syndrome. Last evaluated: 2024-02-01. Review status: criteria provided, single submitter. Criteria: Ambry Variant Classification Scheme 2023. Collection method: clinical testing. Allele origin: germline.
Comment: The c.462+3G>C intronic variant results from a G to C substitution 3 nucleotides after coding exon 5 in the MUTYH gene. This nucleotide position is well conserved in available vertebrate species. In silico splice site analysis predicts that this alteration may weaken the native splice donor site; however, direct evidence is insufficient at this time (Ambry internal data). Based on the available evidence, the clinical significance of this alteration remains unclear.

NM_001048174.2(MUTYH):c.378+3G>C

Gene: MUTYH (mutY DNA glycosylase; minus strand). Cytogenetic location: 1p34.1.
Variant type: single nucleotide variant.
Coding change: c.378+3G>C on transcript NM_001048174.2 (MANE Select); 3 bases into the intron after coding-DNA position 378, G replaced by C.
Molecular consequence: intron variant.
Genome position (GRCh38, 1-based): chr1:45,333,094, C>G on the plus strand (G>C on the coding strand, the complement: MUTYH is on the minus strand). VCF-style: chr1-45333094-C-G. GRCh37 (hg19) VCF-style: chr1-45798766-C-G.
Other names: c.378+3G>C (NM_001407072.1, NM_001048171.2, NM_001407070.1 and 6 more transcripts); c.34-135G>C (NM_001350651.2, NM_001350650.2, NM_001407082.1); c.102+3G>C (NM_001293192.2, NM_001293196.2, NM_001407091.1); c.420+3G>C (NM_001407073.1, NM_001407083.1, NM_001407085.1); c.423+3G>C (NM_001293190.2); c.453+3G>C (NM_001407069.1, NM_012222.3); c.462+3G>C (NM_001128425.2); c.381+3G>C (NM_001407071.1, NM_001407079.1, NM_001048172.2 and 2 more transcripts); and 3 more.
Identifiers: ClinVar variation 3233042 (VCV003233042.1), dbSNP rs373939052, ClinGen allele CA2825000970.
Genomic context (GRCh38, chr1:45,333,094, plus strand): 5'-CCAAAGTAGAGGCTCTCATCTGGGGTCTGACCCATGACCCTTCCCTTCCTCCCCTGGAGT[C>G]ACCTGCATCCATCCGGTATAGTAGTTGATCACAGTGGCAACCTGGGTCTGCTGCAGCATG-3'